The following is an entry in ClinVar:

NC_000009.11:g.(?_138683633)_(139440248_?)del

Genes: C9orf163 (chromosome 9 putative open reading frame 163; plus strand), CAMSAP1 (calmodulin regulated spectrin associated protein 1; minus strand), CARD9 (caspase recruitment domain family member 9; minus strand), DNLZ (DNL-type zinc finger; minus strand), ENTR1 (endosome associated trafficking regulator 1; minus strand) and 12 more. Cytogenetic location: 9q34.3.
Variant type: Deletion.
Identifiers: ClinVar variation 640461 (VCV000640461.1).

ClinVar aggregate classification (germline): Pathogenic (1 of 4 stars; one submission).

Conditions:
Adams-Oliver syndrome 5 (AOS5). Identifiers: Orphanet 974, MedGen C4014970, MONDO:0014459, OMIM 616028.

Submission:

Labcorp Genetics (formerly Invitae), Labcorp
Classification: Pathogenic for Adams-Oliver syndrome 5. Last evaluated: 2018-10-18. Review status: criteria provided, single submitter. Criteria: Invitae Variant Classification Sherloc (09022015). Collection method: clinical testing. Allele origin: germline.
Comment: A gross deletion of the genomic region encompassing the full coding sequence of the NOTCH1 gene has been identified. The boundaries of this event are unknown as the deletion extends beyond the assayed region for this gene and therefore may encompass additional genes. Isolated whole-gene deletions of NOTCH1 have not been reported in the literature. However, larger copy number events that include this gene have been reported (PMID: 19597493,Â¬â€ 22318994, 25516202, 26820064). Loss-of-function variants in NOTCH1 are known to be pathogenic (PMID: 16025100, 21457232, 25132448, 25963545). For these reasons, this variant has been classified as Pathogenic.

Literature cited by the submitters: PubMed 19597493.